The following is an entry in ClinVar:

ClinVar aggregate classification (germline): Uncertain significance (1 of 4 stars; one submission).

Submission:

Labcorp Genetics (formerly Invitae), Labcorp
Classification: Uncertain significance. Last evaluated: 2022-11-08. Review status: criteria provided, single submitter. Criteria: Invitae Variant Classification Sherloc (09022015). Collection method: clinical testing. Allele origin: germline.
Comment: In summary, the available evidence is currently insufficient to determine the role of this variant in disease. Therefore, it has been classified as a Variant of Uncertain Significance. Advanced modeling of protein sequence and biophysical properties (such as structural, functional, and spatial information, amino acid conservation, physicochemical variation, residue mobility, and thermodynamic stability) performed at Invitae indicates that this missense variant is not expected to disrupt SETBP1 protein function. This variant has not been reported in the literature in individuals affected with SETBP1-related conditions. This variant is not present in population databases (gnomAD no frequency). This sequence change replaces valine, which is neutral and non-polar, with alanine, which is neutral and non-polar, at codon 1377 of the SETBP1 protein (p.Val1377Ala).

NM_015559.3(SETBP1):c.4130T>C (p.Val1377Ala)

Gene: SETBP1 (SET binding protein 1; plus strand). Cytogenetic location: 18q12.3.
Variant type: single nucleotide variant.
Coding change: c.4130T>C on transcript NM_015559.3 (MANE Select); coding-DNA position 4130, T replaced by C.
Protein change: p.Val1377Ala; replaces valine 1377 with alanine.
Molecular consequence: missense variant.
Genome position (GRCh38, 1-based): chr18:45,038,614, T>C. VCF-style: chr18-45038614-T-C. GRCh37 (hg19) VCF-style: chr18-42618579-T-C.
Other names: c.4130T>C, p.Val1377Ala (NM_001379141.1, NM_001379142.1); short protein forms V1377A.
Identifiers: ClinVar variation 2109348 (VCV002109348.4), dbSNP rs2511320218, ClinGen allele CA402482583.
Genomic context (GRCh38, chr18:45,038,614, plus strand): 5'-CCATGATGACCAGGAAGAAGCCAGCCGCAGTTGACAGTGTTACAATTCCACCAGCCCCAG[T>C]GTTATCTCTCCTTGCTGCATCTGCAGCAACGTCGGATGCAGGTGAGCACTTTTCAGATGC-3'
Protein context (NP_056374.2, residues 1367-1387): VDSVTIPPAP[Val1377Ala]LSLLAASAAT